The following is an entry in ClinVar:

ClinVar aggregate classification (germline): Uncertain significance (1 of 4 stars; one submission).

Conditions:
Dilated cardiomyopathy 1G (CMD1G). Identifiers: Orphanet 154, MedGen C1858763, MONDO:0011400, OMIM 604145.
Autosomal recessive limb-girdle muscular dystrophy type 2J (LGMDR10). Also called: Limb-girdle muscular dystrophy, type 2J; MUSCULAR DYSTROPHY, LIMB-GIRDLE, AUTOSOMAL RECESSIVE 10. Identifiers: Orphanet 140922, MedGen C1837342, MONDO:0012127, OMIM 608807.

gnomAD v4.1: 2 of 1,613,964 alleles (0.00012%); highest among the groups gnomAD compares: East Asian, 0.0045%; no homozygotes.

Submission:

Labcorp Genetics (formerly Invitae), Labcorp
Classification: Uncertain significance for Dilated cardiomyopathy 1G; Autosomal recessive limb-girdle muscular dystrophy type 2J. Last evaluated: 2025-11-25. Review status: criteria provided, single submitter. Criteria: Invitae Variant Classification Sherloc (09022015). Collection method: clinical testing. Allele origin: germline.
Comment: This sequence change replaces glutamic acid, which is acidic and polar, with lysine, which is basic and polar, at codon 34685 of the TTN protein (p.Glu34685Lys). This variant is not present in population databases (gnomAD no frequency). This variant has not been reported in the literature in individuals affected with TTN-related conditions. Experimental studies and prediction algorithms are not available or were not evaluated, and the functional significance of this variant is currently unknown. This variant is located in the M band of TTN (PMID: 25589632). Non-truncating variants in this region may be relevant for neuromuscular disorders, but have not been definitively shown to cause cardiomyopathy (PMID: 23975875). In summary, the available evidence is currently insufficient to determine the role of this variant in disease. Therefore, it has been classified as a Variant of Uncertain Significance.

Literature cited by the submitters: PubMed 25589632; PubMed 23975875.

NM_001267550.2(TTN):c.104053G>A (p.Glu34685Lys)

Genes: TTN-AS1 (TTN antisense RNA 1; plus strand), TTN (titin; minus strand). Cytogenetic location: 2q31.2.
Variant type: single nucleotide variant.
Coding change: c.104053G>A on transcript NM_001267550.2 (MANE Select); coding-DNA position 104053, G replaced by A.
Protein change: p.Glu34685Lys; replaces glutamic acid 34685 with lysine.
Molecular consequence: missense variant.
Genome position (GRCh38, 1-based): chr2:178,532,562, C>T on the plus strand (G>A on the coding strand, the complement: TTN is on the minus strand). VCF-style: chr2-178532562-C-T. GRCh37 (hg19) VCF-style: chr2-179397289-C-T.
Other names: c.99130G>A, p.Glu33044Lys (NM_001256850.1); c.76858G>A, p.Glu25620Lys (NM_003319.4); c.96349G>A, p.Glu32117Lys (NM_133378.4); c.77233G>A, p.Glu25745Lys (NM_133432.3); c.77434G>A, p.Glu25812Lys (NM_133437.4); short protein forms E34685K, E25745K, E32117K, E33044K, E25620K, E25812K.
Identifiers: ClinVar variation 4782958 (VCV004782958.1).
Genomic context (GRCh38, chr2:178,532,562, plus strand): 5'-GCTCAAAGTGTGGAGGGCTTCGACTTGGGGGTGAAGCTGAAAAACCTAACTCAAGCTCTT[C>T]TTCAAGACGCAGCCTCTCTTCCTCTGTTCTTTTCATTGCTAAGTAGTCATCAATGGGGAG-3'
Protein context (NP_001254479.2, residues 34675-34695): RTEEERLRLE[Glu34685Lys]ELELGFSASP